The following is an entry in ClinVar:

NM_006767.4(LZTR1):c.764T>G (p.Leu255Arg)

Gene: LZTR1 (leucine zipper like post translational regulator 1; plus strand). Cytogenetic location: 22q11.21.
Variant type: single nucleotide variant.
Coding change: c.764T>G on transcript NM_006767.4 (MANE Select); coding-DNA position 764, T replaced by G.
Protein change: p.Leu255Arg; replaces leucine 255 with arginine.
Molecular consequence: missense variant.
Genome position (GRCh38, 1-based): chr22:20,990,498, T>G. VCF-style: chr22-20990498-T-G. GRCh37 (hg19) VCF-style: chr22-21344787-T-G.
Other names: short protein forms L255R.
Identifiers: ClinVar variation 4101932 (VCV004101932.1).

ClinVar aggregate classification (germline): Uncertain significance (1 of 4 stars; one submission).

Conditions:
Cardiovascular phenotype. Identifiers: MedGen CN230736.
Hereditary cancer-predisposing syndrome. Also called: Tumor predisposition; Neoplastic Syndromes, Hereditary; Hereditary neoplastic syndrome; Hereditary Cancer Syndrome. Identifiers: Orphanet 140162, MedGen C0027672, MeSH D009386, MONDO:0015356.

Submission:

Ambry Genetics
Classification: Uncertain significance for Cardiovascular phenotype; Hereditary cancer-predisposing syndrome. Last evaluated: 2025-09-07. Review status: criteria provided, single submitter. Criteria: Ambry Variant Classification Scheme 2023. Collection method: clinical testing. Allele origin: germline.
Comment: The p.L255R variant (also known as c.764T>G), located in coding exon 8 of the LZTR1 gene, results from a T to G substitution at nucleotide position 764. The leucine at codon 255 is replaced by arginine, an amino acid with dissimilar properties. This variant was reported in individual(s) with features consistent with schwannomatosis (Alaidarous A et al. Orphanet J Rare Dis, 2019 Aug;14:207). This amino acid position is highly conserved in available vertebrate species. In addition, this alteration is predicted to be deleterious by in silico analysis. Based on the available evidence, the clinical significance of this variant remains unclear.

Literature cited by the submitters: PubMed 31438995.